The following is an entry in ClinVar:

ClinVar aggregate classification (germline): Conflicting classifications of pathogenicity. Review status: criteria provided, conflicting classifications (1 of 4 stars). 4 submissions from 4 submitters: Uncertain significance (3); Likely benign (1). Last evaluated 2024-09-27.

Conditions:
Inborn genetic diseases. Identifiers: MedGen C0950123, MeSH D030342.
3M syndrome 2. Also called: 3-M Syndrome, OBSL1-Related; THREE M SYNDROME 2. Identifiers: Orphanet 2616, MedGen C2752041, MONDO:0013039, OMIM 612921.

Allele frequency attached by ClinVar (database versions not stated): gnomAD 0.00009 and 0.00012; TOPMed 0.00010; gnomAD exomes 0.00011; ExAC 0.00012; 1000 Genomes Project 0.00040; 1000 Genomes Project 30x 0.00047.
gnomAD v4.1: 186 of 1,548,852 alleles (0.012%); highest among the groups gnomAD compares: Middle Eastern, 0.13%; no homozygotes.

Submissions (4):

Ambry Genetics
Classification: Uncertain significance for Inborn genetic diseases. Last evaluated: 2024-09-27. Review status: criteria provided, single submitter. Criteria: Ambry Variant Classification Scheme 2023. Collection method: clinical testing. Allele origin: germline.

3billion
Classification: Likely benign for 3M syndrome 2. Last evaluated: 2024-09-20. Review status: criteria provided, single submitter. Criteria: ACMG Guidelines, 2015. Collection method: clinical testing. Allele origin: germline. Affected: no.
Comment: The homozygous variant was found in patients diagnosed with another variant in a different gene, with no symptoms related to the gene containing the homozygous variant.

Labcorp Genetics (formerly Invitae), Labcorp
Classification: Uncertain significance. Last evaluated: 2023-08-04. Review status: criteria provided, single submitter. Criteria: Invitae Variant Classification Sherloc (09022015). Collection method: clinical testing. Allele origin: germline.
Comment: This sequence change replaces arginine, which is basic and polar, with glutamine, which is neutral and polar, at codon 1327 of the OBSL1 protein (p.Arg1327Gln). In summary, the available evidence is currently insufficient to determine the role of this variant in disease. Therefore, it has been classified as a Variant of Uncertain Significance. An algorithm developed to predict the effect of missense changes on protein structure and function (PolyPhen-2) suggests that this variant¬†is likely to be tolerated. ClinVar contains an entry for this variant (Variation ID: 896059). This variant has not been reported in the literature in individuals affected with OBSL1-related conditions. This variant is present in population databases (rs560822587, gnomAD 0.02%).

Illumina Laboratory Services, Illumina
Classification: Uncertain significance for 3M syndrome 2. Last evaluated: 2018-01-12. Review status: criteria provided, single submitter. Criteria: ICSL Variant Classification Criteria 13 December 2019. Collection method: clinical testing. Allele origin: germline.

NM_015311.3(OBSL1):c.3980G>A (p.Arg1327Gln)

Gene: OBSL1 (obscurin like cytoskeletal adaptor 1; minus strand). Cytogenetic location: 2q35.
Variant type: single nucleotide variant.
Coding change: c.3980G>A on transcript NM_015311.3 (MANE Select); coding-DNA position 3980, G replaced by A.
Protein change: p.Arg1327Gln; replaces arginine 1327 with glutamine.
Molecular consequence: missense variant.
Genome position (GRCh38, 1-based): chr2:219,557,429, C>T on the plus strand (G>A on the coding strand, the complement: OBSL1 is on the minus strand). VCF-style: chr2-219557429-C-T. GRCh37 (hg19) VCF-style: chr2-220422151-C-T.
Other names: c.3980G>A, p.Arg1327Gln (NM_001173431.2); short protein forms R1327Q.
Identifiers: ClinVar variation 896059 (VCV000896059.9), dbSNP rs560822587, ClinGen allele CA2130702.